The following is an entry in ClinVar:

NM_020975.6(RET):c.1296= (p.Ala432=)

Gene: RET (ret proto-oncogene; plus strand). Cytogenetic location: 10q11.21.
Variant type: Variation.
Coding change: c.1296= on transcript NM_020975.6 (MANE Select); coding-DNA position 1296, no change from the reference sequence.
Protein change: p.Ala432=; no amino-acid change (alanine 432 retained).
Molecular consequence: no sequence alteration. On other transcripts: synonymous variant (2), intron variant (15).
Genome position: GRCh38 VCF-style: chr10-43111239-A-A. GRCh37 (hg19) VCF-style: chr10-43606687-A-A.
Other names: c.1296A=, p.Ala432= (NM_000323.2, NM_020629.2); c.534=, p.Ala178= (NM_001355216.2); c.1296=, p.Ala432= (NM_001406743.1, NM_001406744.1, NM_001406759.1 and 4 more transcripts); c.1167=, p.Ala389= (NM_001406761.1, NM_001406762.1, NM_001406764.1 and 1 more transcripts); c.1008=, p.Ala336= (NM_001406766.1, NM_001406767.1, NM_001406770.1); c.900=, p.Ala300= (NM_001406769.1, NM_001406772.1); c.858=, p.Ala286= (NM_001406771.1, NM_001406773.1); c.771=, p.Ala257= (NM_001406774.1); and 6 more.
Identifiers: ClinVar variation 3076059 (VCV003076059.1).

ClinVar aggregate classification (germline): Benign (1 of 4 stars; one submission).

Submission:

Laboratory for Molecular Medicine, Mass General Brigham Personalized Medicine
Classification: Benign. Last evaluated: 2018-03-12. Review status: criteria provided, single submitter. Criteria: ACMG Guidelines, 2015. Collection method: clinical testing. Allele origin: germline.
Comment: p.Ala432Ala in exon 7 of RET: This variant is not expected to have clinical significance because it has been identified in 30% (82943/276860) of chromosomes in the Genome Aggregation Database (gnomAD; dbSNP rs1800860). There are several studies suggesting that the presence of this variant may be associated with a risk for Hirschprung's disease; however, the largest available metaanalysis suggests that there is no statistically significant association with this variant and HIrschprung's disease (Liang 2014). In addition, the study sizes claiming an association are limited and an updated study taking into account the high prevalence of this variant in the general population would be necessary to clarify the association of this variant to disease. ACMG/AMP Criteria Applied: BA1.